The following is an entry in ClinVar:

ClinVar aggregate classification (germline): Pathogenic. Review status: criteria provided, multiple submitters, no conflicts (2 of 4 stars). 2 submissions from 2 submitters: Pathogenic (2). Last evaluated 2025-02-02.

Conditions:
Hereditary cancer-predisposing syndrome. Also called: Hereditary Cancer Syndrome; Hereditary neoplastic syndrome; Neoplastic Syndromes, Hereditary; Tumor predisposition. Identifiers: Orphanet 140162, MedGen C0027672, MeSH D009386, MONDO:0015356.

Submissions (2):

Labcorp Genetics (formerly Invitae), Labcorp
Classification: Pathogenic for Hereditary cancer-predisposing syndrome. Last evaluated: 2025-02-02. Review status: criteria provided, single submitter. Criteria: Invitae Variant Classification Sherloc (09022015). Collection method: clinical testing. Allele origin: germline.
Comment: This sequence change creates a premature translational stop signal (p.Glu995Aspfs*3) in the RAD50 gene. It is expected to result in an absent or disrupted protein product. Loss-of-function variants in RAD50 are known to be pathogenic (PMID: 19409520). This variant is present in population databases (no rsID available, gnomAD 0.002%). This variant has not been reported in the literature in individuals affected with RAD50-related conditions. ClinVar contains an entry for this variant (Variation ID: 408368). For these reasons, this variant has been classified as Pathogenic.

Ambry Genetics
Classification: Pathogenic for Hereditary cancer-predisposing syndrome. Last evaluated: 2021-11-18. Review status: criteria provided, single submitter. Criteria: Ambry Variant Classification Scheme 2023. Collection method: clinical testing. Allele origin: germline.
Comment: The c.2985_2989delAAAGA pathogenic mutation, located in coding exon 19 of the RAD50 gene, results from a deletion of 5 nucleotides at nucleotide positions 2985 to 2989, causing a translational frameshift with a predicted alternate stop codon (p.E995Dfs*3). This variant is considered to be rare based on population cohorts in the Genome Aggregation Database (gnomAD). This alteration is expected to result in loss of function by premature protein truncation or nonsense-mediated mRNA decay. As such, this alteration is interpreted as a disease-causing mutation.

Literature cited by the submitters: PubMed 19409520 (cited by Labcorp Genetics (formerly Invitae), Labcorp).

NM_005732.4(RAD50):c.2985_2989del (p.Glu995fs)

Gene: RAD50 (RAD50 double strand break repair protein; plus strand). Cytogenetic location: 5q31.1.
Variant type: Microsatellite.
Coding change: c.2985_2989del on transcript NM_005732.4 (MANE Select); coding-DNA positions 2985 to 2989, 5 bases deleted (AAAGA; older notation c.2985_2989delAAAGA).
Protein change: p.Glu995fs; shifts the reading frame from glutamic acid 995.
Molecular consequence: frameshift variant.
Genome position (GRCh38, 1-based): chr5:132,609,345-132,609,349, AAAGA deleted; deleting any 5 consecutive bases within chr5:132,609,340-132,609,349 gives the same sequence; the c. name uses the placement nearest the transcript's 3' end. VCF-style (leftmost placement, unchanged base first): chr5-132609339-CAAAGA-C. GRCh37 (hg19) VCF-style: chr5-131945031-CAAAGA-C.
Other names: c.2985_2989del (NM_005732.3); short protein forms E995fs.
Identifiers: ClinVar variation 408368 (VCV000408368.14), dbSNP rs1060501949, ClinGen allele CA16611985.